The following is an entry in ClinVar:

NM_004525.3(LRP2):c.3875G>A (p.Arg1292Gln)

Gene: LRP2 (LDL receptor related protein 2; minus strand). Cytogenetic location: 2q31.1.
Variant type: single nucleotide variant.
Coding change: c.3875G>A on transcript NM_004525.3 (MANE Select); coding-DNA position 3875, G replaced by A.
Protein change: p.Arg1292Gln; replaces arginine 1292 with glutamine.
Molecular consequence: missense variant.
Genome position (GRCh38, 1-based): chr2:169,241,158, C>T on the plus strand (G>A on the coding strand, the complement: LRP2 is on the minus strand). VCF-style: chr2-169241158-C-T. GRCh37 (hg19) VCF-style: chr2-170097668-C-T.
Other names: c.3875G>A (NM_004525.2); short protein forms R1292Q.
Identifiers: ClinVar variation 1926032 (VCV001926032.3), dbSNP rs1336938321, ClinGen allele CA349147584.

ClinVar aggregate classification (germline): Uncertain significance. Review status: criteria provided, multiple submitters, no conflicts (2 of 4 stars). 2 submissions from 2 submitters: Uncertain significance (2). Last evaluated 2023-10-17.

Conditions:
Inborn genetic diseases. Identifiers: MedGen C0950123, MeSH D030342.

Allele frequency attached by ClinVar (database versions not stated): gnomAD exomes below 0.00001; gnomAD 0.00001; TOPMed 0.00002.
gnomAD v4.1: 6 of 1,614,046 alleles (0.00037%); highest among the groups gnomAD compares: African/African-American, 0.0013%; no homozygotes.

Submissions (2):

Ambry Genetics
Classification: Uncertain significance for Inborn genetic diseases. Last evaluated: 2023-10-17. Review status: criteria provided, single submitter. Criteria: Ambry Variant Classification Scheme 2023. Collection method: clinical testing. Allele origin: germline.

Labcorp Genetics (formerly Invitae), Labcorp
Classification: Uncertain significance. Last evaluated: 2022-06-05. Review status: criteria provided, single submitter. Criteria: Invitae Variant Classification Sherloc (09022015). Collection method: clinical testing. Allele origin: germline.
Comment: This sequence change replaces arginine, which is basic and polar, with glutamine, which is neutral and polar, at codon 1292 of the LRP2 protein (p.Arg1292Gln). This variant is present in population databases (no rsID available, gnomAD 0.01%). This variant has not been reported in the literature in individuals affected with LRP2-related conditions. Algorithms developed to predict the effect of missense changes on protein structure and function (SIFT, PolyPhen-2, Align-GVGD) all suggest that this variant is likely to be tolerated. In summary, the available evidence is currently insufficient to determine the role of this variant in disease. Therefore, it has been classified as a Variant of Uncertain Significance.